The following is an entry in ClinVar:

ClinVar aggregate classification (germline): Uncertain significance (1 of 4 stars; one submission).

Allele frequency attached by ClinVar (database versions not stated): gnomAD exomes below 0.00001 and 0.00001; gnomAD 0.00001; TOPMed 0.00001; ExAC 0.00001.
gnomAD v4.1: 22 of 1,614,030 alleles (0.0014%); highest among the groups gnomAD compares: Non-Finnish European, 0.0017%; no homozygotes.

Submission:

Labcorp Genetics (formerly Invitae), Labcorp
Classification: Uncertain significance. Last evaluated: 2025-12-06. Review status: criteria provided, single submitter. Criteria: Invitae Variant Classification Sherloc (09022015). Collection method: clinical testing. Allele origin: germline.
Comment: This sequence change replaces asparagine, which is neutral and polar, with serine, which is neutral and polar, at codon 934 of the MYH3 protein (p.Asn934Ser). This variant is present in population databases (rs777648005, gnomAD 0.0009%). This variant has not been reported in the literature in individuals affected with MYH3-related conditions. ClinVar contains an entry for this variant (Variation ID: 1382315). Invitae Evidence Modeling of protein sequence and biophysical properties (such as structural, functional, and spatial information, amino acid conservation, physicochemical variation, residue mobility, and thermodynamic stability) indicates that this missense variant is not expected to disrupt MYH3 protein function with a negative predictive value of 95%. In summary, the available evidence is currently insufficient to determine the role of this variant in disease. Therefore, it has been classified as a Variant of Uncertain Significance.

NM_002470.4(MYH3):c.2801A>G (p.Asn934Ser)

Gene: MYH3 (myosin heavy chain 3; minus strand). Cytogenetic location: 17p13.1.
Variant type: single nucleotide variant.
Coding change: c.2801A>G on transcript NM_002470.4 (MANE Select); coding-DNA position 2801, A replaced by G.
Protein change: p.Asn934Ser; replaces asparagine 934 with serine.
Molecular consequence: missense variant.
Genome position (GRCh38, 1-based): chr17:10,639,684, T>C on the plus strand (A>G on the coding strand, the complement: MYH3 is on the minus strand). VCF-style: chr17-10639684-T-C. GRCh37 (hg19) VCF-style: chr17-10543001-T-C.
Other names: short protein forms N934S.
Identifiers: ClinVar variation 1382315 (VCV001382315.6), dbSNP rs777648005, ClinGen allele CA8392675.